The following is an entry in ClinVar:

NM_001042492.3(NF1):c.7289A>C (p.Glu2430Ala)

Gene: NF1 (neurofibromin 1; plus strand). Cytogenetic location: 17q11.2.
Variant type: single nucleotide variant.
Coding change: c.7289A>C on transcript NM_001042492.3 (MANE Select); coding-DNA position 7289, A replaced by C.
Protein change: p.Glu2430Ala; replaces glutamic acid 2430 with alanine.
Molecular consequence: missense variant.
Genome position (GRCh38, 1-based): chr17:31,349,219, A>C. VCF-style: chr17-31349219-A-C. GRCh37 (hg19) VCF-style: chr17-29676237-A-C.
Other names: c.7226A>C, p.Glu2409Ala (NM_000267.4); short protein forms E2409A, E2430A.
Identifiers: ClinVar variation 231935 (VCV000231935.9), dbSNP rs876659449, ClinGen allele CA10580402.

ClinVar aggregate classification (germline): Uncertain significance. Review status: criteria provided, multiple submitters, no conflicts (2 of 4 stars). 3 submissions from 3 submitters: Uncertain significance (3). Last evaluated 2025-01-17.

Conditions:
Hereditary cancer-predisposing syndrome. Also called: Hereditary Cancer Syndrome; Neoplastic Syndromes, Hereditary; Tumor predisposition; Hereditary neoplastic syndrome. Identifiers: Orphanet 140162, MedGen C0027672, MeSH D009386, MONDO:0015356.
Neurofibromatosis, type 1 (NF1). Also called: Neurofibromatosis, type I; VON RECKLINGHAUSEN DISEASE; NEUROFIBROMATOSIS, TYPE I, SOMATIC; Peripheral type neurofibromatosis. Identifiers: Orphanet 636, MedGen C0027831, MONDO:0018975, OMIM 162200. Disease mechanism: loss of function.

Submissions (3):

GeneDx
Classification: Uncertain significance. Last evaluated: 2025-01-17. Review status: criteria provided, single submitter. Criteria: GeneDx Variant Classification Process June 2021. Collection method: clinical testing. Allele origin: germline. Affected: yes.
Comment: Not observed at significant frequency in large population cohorts (gnomAD); In silico analysis supports that this missense variant has a deleterious effect on protein structure/function; Has not been previously published as pathogenic or benign to our knowledge; This variant is associated with the following publications: (PMID: 25486365)

Labcorp Genetics (formerly Invitae), Labcorp
Classification: Uncertain significance for Neurofibromatosis, type 1. Last evaluated: 2024-06-25. Review status: criteria provided, single submitter. Criteria: Invitae Variant Classification Sherloc (09022015). Collection method: clinical testing. Allele origin: germline.
Comment: This sequence change replaces glutamic acid, which is acidic and polar, with alanine, which is neutral and non-polar, at codon 2409 of the NF1 protein (p.Glu2409Ala). This variant is not present in population databases (gnomAD no frequency). This variant has not been reported in the literature in individuals affected with NF1-related conditions. ClinVar contains an entry for this variant (Variation ID: 231935). Advanced modeling of protein sequence and biophysical properties (such as structural, functional, and spatial information, amino acid conservation, physicochemical variation, residue mobility, and thermodynamic stability) performed at Invitae indicates that this missense variant is expected to disrupt NF1 protein function with a positive predictive value of 95%. In summary, the available evidence is currently insufficient to determine the role of this variant in disease. Therefore, it has been classified as a Variant of Uncertain Significance.

Ambry Genetics
Classification: Uncertain significance for Hereditary cancer-predisposing syndrome. Last evaluated: 2015-05-21. Review status: criteria provided, single submitter. Criteria: Ambry Autosomal Dominant and X-Linked criteria (10/2015). Collection method: clinical testing. Allele origin: germline. Observed: 1 variant allele.
Comment: The p.E2430A variant (also known as c.7289A>C), located in coding exon 49 of the NF1 gene, results from an A to C substitution at nucleotide position 7289. The glutamic acid at codon 2430 is replaced by alanine, an amino acid with dissimilar properties. This variant was not reported in population based cohorts in the following databases: Database of Single Nucleotide Polymorphisms (dbSNP), NHLBI Exome Sequencing Project (ESP), and 1000 Genomes Project. In the ESP, this variant was not observed in 6503 samples (13006 alleles) with coverage at this position. To date, this alteration has been detected with an allele frequency of approximately 0.002% (greater than 55000alleles tested) in our clinical cohort.This amino acid position is highly conserved in available vertebrate species. In addition, the in silico prediction for this alteration is inconclusive.Since supporting evidence is limited at this time, the clinical significance of p.E2430Aremains unclear.